The following is an entry in ClinVar:

NM_018139.3(DNAAF2):c.2440G>T (p.Val814Leu)

Gene: DNAAF2 (dynein axonemal assembly factor 2; minus strand). Cytogenetic location: 14q21.3.
Variant type: single nucleotide variant.
Coding change: c.2440G>T on transcript NM_018139.3 (MANE Select); coding-DNA position 2440, G replaced by T.
Protein change: p.Val814Leu; replaces valine 814 with leucine.
Molecular consequence: missense variant.
Genome position (GRCh38, 1-based): chr14:49,625,616, C>A on the plus strand (G>T on the coding strand, the complement: DNAAF2 is on the minus strand). VCF-style: chr14-49625616-C-A. GRCh37 (hg19) VCF-style: chr14-50092334-C-A.
Other names: c.2296G>T, p.Val766Leu (NM_001083908.2); c.229G>T, p.Val77Leu (NM_001378453.1); short protein forms V814L, V766L, V77L.
Identifiers: ClinVar variation 454906 (VCV000454906.10), dbSNP rs749029870, ClinGen allele CA7172699.

ClinVar aggregate classification (germline): Uncertain significance. Review status: criteria provided, multiple submitters, no conflicts (2 of 4 stars). 2 submissions from 2 submitters: Uncertain significance (2). Last evaluated 2018-10-24.

Conditions:
Primary ciliary dyskinesia. Also called: Ciliary dyskinesia. Identifiers: Orphanet 244, MedGen C0008780, MONDO:0016575, HP:0012265.

Allele frequency attached by ClinVar (database versions not stated): gnomAD exomes 0.00001 and 0.00002; ExAC 0.00002; gnomAD 0.00007; TOPMed 0.00009.
gnomAD v4.1: 14 of 1,613,306 alleles (0.00087%); highest among the groups gnomAD compares: African/African-American, 0.016%; no homozygotes.

Submissions (2):

Labcorp Genetics (formerly Invitae), Labcorp
Classification: Uncertain significance for Primary ciliary dyskinesia. Last evaluated: 2018-10-24. Review status: criteria provided, single submitter. Criteria: Invitae Variant Classification Sherloc (09022015). Collection method: clinical testing. Allele origin: germline.
Comment: In summary, this variant is a rare missense change that is not predicted to affect protein function. There is no indication that it causes disease, but the available evidence is currently insufficient to prove that conclusively. Therefore, it has been classified as a Variant of Uncertain Significance. Algorithms developed to predict the effect of missense changes on protein structure and function (SIFT, PolyPhen-2, Align-GVGD) all suggest that this variant is likely to be tolerated, but these predictions have not been confirmed by published functional studies. This variant is present in population databases (rs749029870, ExAC 0.02%) but has not been reported in the literature in individuals with a DNAAF2-related disease. This sequence change replaces valine with leucine at codon 814 of the DNAAF2 protein (p.Val814Leu). The valine residue is highly conserved and there is a small physicochemical difference between valine and leucine.

Ambry Genetics
Classification: Uncertain significance for Primary ciliary dyskinesia. Last evaluated: 2015-09-21. Review status: criteria provided, single submitter. Criteria: Ambry Variant Classification Scheme 2023. Collection method: clinical testing. Allele origin: germline.
Comment: The p.V814L variant (also known as c.2440G>T), located in coding exon 3 of the DNAAF2 gene, results from a G to T substitution at nucleotide position 2440. The valine at codon 814 is replaced by leucine, an amino acid with highly similar properties. This variant was not reported in population based cohorts in the following databases: Database of Single Nucleotide Polymorphisms (dbSNP), NHLBI Exome Sequencing Project (ESP), and 1000 Genomes Project. In the ESP, this variant was not observed in 6503 samples (13006 alleles) with coverage at this position. This amino acid position is well conserved in available species. In addition, this alteration is predicted to be tolerated by in silico analysis. Since supporting evidence is limited at this time, the clinical significance of this variant remains unclear.